The following is an entry in ClinVar:

ClinVar aggregate classification (germline): Uncertain significance (1 of 4 stars; one submission).

Conditions:
Capillary malformation-arteriovenous malformation syndrome. Also called: Capillary malformation-arteriovenous malformation. Identifiers: Orphanet 137667, MedGen C1842180, MONDO:0012016.

Allele frequency attached by ClinVar (database versions not stated): TOPMed 0.00001; gnomAD exomes below 0.00001; gnomAD 0.00001.
gnomAD v4.1: 3 of 1,591,770 alleles (0.00019%); highest among the groups gnomAD compares: Non-Finnish European, 0.00026%; no homozygotes.

Submission:

Labcorp Genetics (formerly Invitae), Labcorp
Classification: Uncertain significance for Capillary malformation-arteriovenous malformation syndrome. Last evaluated: 2024-07-09. Review status: criteria provided, single submitter. Criteria: Invitae Variant Classification Sherloc (09022015). Collection method: clinical testing. Allele origin: germline.
Comment: This sequence change replaces valine, which is neutral and non-polar, with alanine, which is neutral and non-polar, at codon 449 of the RASA1 protein (p.Val449Ala). This variant is not present in population databases (gnomAD no frequency). This variant has not been reported in the literature in individuals affected with RASA1-related conditions. ClinVar contains an entry for this variant (Variation ID: 1462061). An algorithm developed to predict the effect of missense changes on protein structure and function (PolyPhen-2) suggests that this variant is likely to be tolerated. In summary, the available evidence is currently insufficient to determine the role of this variant in disease. Therefore, it has been classified as a Variant of Uncertain Significance.

NM_002890.3(RASA1):c.1346T>C (p.Val449Ala)

Genes: CCNH (cyclin H; minus strand), RASA1 (RAS p21 protein activator 1; plus strand). Cytogenetic location: 5q14.3.
Variant type: single nucleotide variant.
Coding change: c.1346T>C on transcript NM_002890.3 (MANE Select); coding-DNA position 1346, T replaced by C.
Protein change: p.Val449Ala; replaces valine 449 with alanine.
Molecular consequence: missense variant. On other transcripts: intron variant (1).
Genome position (GRCh38, 1-based): chr5:87,362,564, T>C. VCF-style: chr5-87362564-T-C. GRCh37 (hg19) VCF-style: chr5-86658381-T-C.
Other names: c.815T>C, p.Val272Ala (NM_022650.3); c.933+32480A>G (NM_001364075.2); short protein forms V272A, V449A.
Identifiers: ClinVar variation 1462061 (VCV001462061.7), dbSNP rs1178664330, ClinGen allele CA360367355.